The following is an entry in ClinVar:

NM_013336.4(SEC61A1):c.481A>G (p.Ile161Val)

Gene: SEC61A1 (SEC61 translocon subunit alpha 1; plus strand). Cytogenetic location: 3q21.3.
Variant type: single nucleotide variant.
Coding change: c.481A>G on transcript NM_013336.4 (MANE Select); coding-DNA position 481, A replaced by G.
Protein change: p.Ile161Val; replaces isoleucine 161 with valine.
Molecular consequence: missense variant.
Genome position (GRCh38, 1-based): chr3:128,060,526, A>G. VCF-style: chr3-128060526-A-G. GRCh37 (hg19) VCF-style: chr3-127779369-A-G.
Other names: c.499A>G, p.Ile167Val (NM_001400328.1); c.322A>G, p.Ile108Val (NM_001400329.1); short protein forms I108V, I161V, I167V.
Identifiers: ClinVar variation 1722026 (VCV001722026.5), dbSNP rs2473026189, ClinGen allele CA354394773.

ClinVar aggregate classification (germline): Uncertain significance (1 of 4 stars; one submission).

Submission:

Labcorp Genetics (formerly Invitae), Labcorp
Classification: Uncertain significance. Last evaluated: 2022-10-21. Review status: criteria provided, single submitter. Criteria: Invitae Variant Classification Sherloc (09022015). Collection method: clinical testing. Allele origin: germline.
Comment: In summary, the available evidence is currently insufficient to determine the role of this variant in disease. Therefore, it has been classified as a Variant of Uncertain Significance. Advanced modeling of protein sequence and biophysical properties (such as structural, functional, and spatial information, amino acid conservation, physicochemical variation, residue mobility, and thermodynamic stability) performed at Invitae indicates that this missense variant is not expected to disrupt SEC61A1 protein function. This variant has not been reported in the literature in individuals affected with SEC61A1-related conditions. This variant is not present in population databases (gnomAD no frequency). This sequence change replaces isoleucine, which is neutral and non-polar, with valine, which is neutral and non-polar, at codon 161 of the SEC61A1 protein (p.Ile161Val).